The following is an entry in ClinVar:

ClinVar aggregate classification (germline): Uncertain significance (1 of 4 stars; one submission).

Conditions:
Fanconi anemia (FA). Also called: Fanconi's anemia. Identifiers: Orphanet 84, MedGen C0015625, MeSH D005199, MONDO:0019391.

Submission:

Labcorp Genetics (formerly Invitae), Labcorp
Classification: Uncertain significance for Fanconi anemia. Last evaluated: 2022-01-27. Review status: criteria provided, single submitter. Criteria: Invitae Variant Classification Sherloc (09022015). Collection method: clinical testing. Allele origin: germline.
Comment: This variant results in a copy number gain of the genomic region encompassing exon(s) 2-12 of the SLX4 gene. This region includes the initiator codon of the gene. This copy number gain extends beyond the assayed region for this gene and therefore may encompass additional genes. As the precise location of this event is unknown, it may be in tandem or it may be located elsewhere in the genome. This variant has not been reported in the literature in individuals affected with SLX4-related conditions. In summary, the available evidence is currently insufficient to determine the role of this variant in disease. Therefore, it has been classified as a Variant of Uncertain Significance. Experimental studies and prediction algorithms are not available or were not evaluated, and the functional significance of this variant is currently unknown.

NC_000016.9:g.(?_3638993)_(3658965_?)dup

Gene: SLX4 (SLX4 structure-specific endonuclease subunit; minus strand). Cytogenetic location: 16p13.3.
Variant type: Duplication.
Identifiers: ClinVar variation 1412572 (VCV001412572.5).